The following is an entry in ClinVar:

ClinVar aggregate classification (germline): Uncertain significance (1 of 4 stars; one submission).

Allele frequency attached by ClinVar (database versions not stated): TOPMed below 0.00001.
gnomAD v4.1: 6 of 1,613,846 alleles (0.00037%); highest among the groups gnomAD compares: Non-Finnish European, 0.00042%; no homozygotes.

Submission:

Labcorp Genetics (formerly Invitae), Labcorp
Classification: Uncertain significance. Last evaluated: 2022-10-17. Review status: criteria provided, single submitter. Criteria: Invitae Variant Classification Sherloc (09022015). Collection method: clinical testing. Allele origin: germline.
Comment: This sequence change falls in intron 12 of the ACY1 gene. It does not directly change the encoded amino acid sequence of the ACY1 protein. It affects a nucleotide within the consensus splice site. This variant is not present in population databases (gnomAD no frequency). This variant has not been reported in the literature in individuals affected with ACY1-related conditions. ClinVar contains an entry for this variant (Variation ID: 1508798). Variants that disrupt the consensus splice site are a relatively common cause of aberrant splicing (PMID: 17576681, 9536098). Algorithms developed to predict the effect of sequence changes on RNA splicing suggest that this variant is not likely to affect RNA splicing. In summary, the available evidence is currently insufficient to determine the role of this variant in disease. Therefore, it has been classified as a Variant of Uncertain Significance.

Literature cited by the submitters: PubMed 17576681; PubMed 9536098.

NM_000666.3(ACY1):c.921+4T>G

Genes: ABHD14A-ACY1 (ABHD14A-ACY1 readthrough; plus strand), ACY1 (aminoacylase 1; plus strand). Cytogenetic location: 3p21.2.
Variant type: single nucleotide variant.
Coding change: c.921+4T>G on transcript NM_000666.3 (MANE Select); 4 bases into the intron after coding-DNA position 921, T replaced by G.
Molecular consequence: intron variant.
Genome position (GRCh38, 1-based): chr3:51,987,628, T>G. VCF-style: chr3-51987628-T-G. GRCh37 (hg19) VCF-style: chr3-52021644-T-G.
Other names: c.1191+4T>G (NM_001316331.2); c.726+4T>G (NM_001198897.2); c.705+4T>G (NM_001198896.2); c.816+4T>G (NM_001198898.2); c.921+4T>G (NM_001198895.2).
Identifiers: ClinVar variation 1508798 (VCV001508798.6), dbSNP rs891166942, ClinGen allele CA74718997.